The following is an entry in ClinVar:

ClinVar aggregate classification (germline): Conflicting classifications of pathogenicity. Review status: criteria provided, conflicting classifications (1 of 4 stars). 5 submissions from 5 submitters: Likely pathogenic (3); Uncertain significance (1). 1 of the submissions does not count toward it. Last evaluated 2025-05-15.

Conditions:
Congenital disorder of glycosylation, type Ibb. Identifiers: MedGen C4693133, MONDO:0800353, OMIM 621567.
Retinitis pigmentosa 59 (RP59). Identifiers: Orphanet 791, MedGen C3151227, MONDO:0013468, OMIM 613861.

Allele frequency attached by ClinVar (database versions not stated): gnomAD exomes 0.00001; ExAC 0.00002; gnomAD 0.00003 and 0.00004; TOPMed 0.00003.
gnomAD v4.1: 14 of 1,593,918 alleles (0.00088%); highest among the groups gnomAD compares: Non-Finnish European, 0.00052%; no homozygotes.

Submissions (5):

Natera, Inc.
Classification: Likely pathogenic for Retinitis pigmentosa type 59. Last evaluated: 2025-05-15. Review status: criteria provided, single submitter. Criteria: Natera Variant Classification Schema (03/2026). Collection method: clinical testing. Allele origin: germline.
Comment: The c.441-24A>G variant in DHDDS is an intronic variant located outside the canonical splice sites. This variant is rare in the general population with a frequency below the threshold expected for the associated phenotype(s). This variant has been observed in one or more individuals affected with the associated recessive disease, as either homozygous or compound heterozygous with a second variant (PMID: 27343064, 31047384). Functional studies show that this variant may disrupt protein function (PMID: 27343064). Given the available evidence, this variant is classified as Likely Pathogenic.

Labcorp Genetics (formerly Invitae), Labcorp
Classification: Likely pathogenic for Retinitis pigmentosa 59. Last evaluated: 2025-01-23. Review status: criteria provided, single submitter. Criteria: Invitae Variant Classification Sherloc (09022015). Collection method: clinical testing. Allele origin: germline.
Comment: This sequence change falls in intron 5 of the DHDDS gene. It does not directly change the encoded amino acid sequence of the DHDDS protein. RNA analysis indicates that this variant induces altered splicing and may result in an absent or altered protein product. This variant is present in population databases (rs764831063, gnomAD 0.009%). This variant has been observed in individuals with autosomal recessive DHDDS-related conditions (PMID: 27343064, 31047384). ClinVar contains an entry for this variant (Variation ID: 488195). Studies have shown that this variant results in activation of a cryptic splice site, and produces a non-functional protein and/or introduces a premature termination codon (PMID: 27343064). In summary, the currently available evidence indicates that the variant is pathogenic, but additional data are needed to prove that conclusively. Therefore, this variant has been classified as Likely Pathogenic.

Blueprint Genetics
Classification: Uncertain significance. Last evaluated: 2024-06-12. Review status: criteria provided, single submitter. Criteria: ACMG Guidelines, 2015. Collection method: clinical testing. Allele origin: germline.

Baylor Genetics
Classification: Likely pathogenic for Retinitis pigmentosa 59. Last evaluated: 2024-03-29. Review status: criteria provided, single submitter. Criteria: ACMG Guidelines, 2015. Collection method: clinical testing. Allele origin: unknown.

OMIM
Classification: Pathogenic for CONGENITAL DISORDER OF GLYCOSYLATION, TYPE 1bb (1 patient). Last evaluated: 2026-04-22. Review status: no assertion criteria provided. Collection method: literature only. Allele origin: germline. Not counted in ClinVar's aggregate classification.

Literature cited by the submitters: PubMed 27343064 (cited by 3 submitters); PubMed 31047384 (cited by Natera, Inc. and Labcorp Genetics (formerly Invitae), Labcorp).

NM_205861.3(DHDDS):c.441-24A>G

Gene: DHDDS (dehydrodolichyl diphosphate synthase subunit; plus strand). Cytogenetic location: 1p36.11.
Variant type: single nucleotide variant.
Coding change: c.441-24A>G on transcript NM_205861.3 (MANE Select); 24 bases into the intron before coding-DNA position 441, A replaced by G.
Molecular consequence: intron variant.
Genome position (GRCh38, 1-based): chr1:26,447,535, A>G. VCF-style: chr1-26447535-A-G. GRCh37 (hg19) VCF-style: chr1-26774026-A-G.
Other names: IVS5, -24, A-G; c.162-24A>G (NM_001319959.2); c.441-24A>G (NM_024887.4, NM_024887.3); c.440+1103A>G (NM_001243564.2); c.324-24A>G (NM_001243565.2).
Identifiers: ClinVar variation 488195 (VCV000488195.12), dbSNP rs764831063, ClinGen allele CA705345.